The following is an entry in ClinVar:

ClinVar aggregate classification (germline): Uncertain significance (1 of 4 stars; one submission).

Conditions:
Inborn genetic diseases. Identifiers: MedGen C0950123, MeSH D030342.

gnomAD v4.1: 3 of 1,211,792 alleles (0.00025%); highest among the groups gnomAD compares: South Asian, 0.0035%; no homozygotes.

Submission:

Ambry Genetics
Classification: Uncertain significance for Inborn genetic diseases. Last evaluated: 2025-12-31. Review status: criteria provided, single submitter. Criteria: Ambry Variant Classification Scheme 2023. Collection method: clinical testing. Allele origin: germline.
Comment: The c.3419G>A (p.R1140H) alteration is located in exon 22 (coding exon 22) of the TAF1 gene. This alteration results from a G to A substitution at nucleotide position 3419, causing the arginine (R) at amino acid position 1140 to be replaced by a histidine (H). Based on data from gnomAD, the A allele has an overall frequency of <0.001% (1/182981) total alleles studied. The highest observed frequency was 0.007% (1/13841) of East Asian alleles. Based on insufficient or conflicting evidence, the clinical significance of this alteration remains unclear.

NM_004606.5(TAF1):c.3359G>A (p.Arg1120His)

Gene: TAF1 (TATA-box binding protein associated factor 1; plus strand). Cytogenetic location: Xq13.1.
Variant type: single nucleotide variant.
Coding change: c.3359G>A on transcript NM_004606.5 (MANE Select); coding-DNA position 3359, G replaced by A.
Protein change: p.Arg1120His; replaces arginine 1120 with histidine.
Molecular consequence: missense variant. On other transcripts: non-coding transcript variant (9).
Genome position (GRCh38, 1-based): chrX:71,394,198, G>A. VCF-style: chrX-71394198-G-A. GRCh37 (hg19) VCF-style: chrX-70614048-G-A.
Other names: c.3359G>A, p.Arg1120His (NM_001286074.2, NM_001440852.1, NM_001440853.1); c.3296G>A, p.Arg1099His (NM_001440854.1, NM_138923.4); short protein forms R1120H, R1099H.
Identifiers: ClinVar variation 4838887 (VCV004838887.1).